The following is an entry in ClinVar:

NM_001040108.2(MLH3):c.199G>A (p.Glu67Lys)

Gene: MLH3 (mutL homolog 3; minus strand). Cytogenetic location: 14q24.3.
Variant type: single nucleotide variant.
Coding change: c.199G>A on transcript NM_001040108.2 (MANE Select); coding-DNA position 199, G replaced by A.
Protein change: p.Glu67Lys; replaces glutamic acid 67 with lysine.
Molecular consequence: missense variant.
Genome position (GRCh38, 1-based): chr14:75,049,457, C>T on the plus strand (G>A on the coding strand, the complement: MLH3 is on the minus strand). VCF-style: chr14-75049457-C-T. GRCh37 (hg19) VCF-style: chr14-75516160-C-T.
Other names: c.199G>A, p.Glu67Lys (NM_014381.3); short protein forms E67K.
Identifiers: ClinVar variation 1784136 (VCV001784136.2), dbSNP rs781749227, ClinGen allele CA7276077.

ClinVar aggregate classification (germline): Uncertain significance (1 of 4 stars; one submission).

Allele frequency attached by ClinVar (database versions not stated): ExAC 0.00001.
gnomAD v4.1: 1 of 1,614,160 alleles (0.000062%); highest among the groups gnomAD compares: Non-Finnish European, 0.000085%; no homozygotes.

Submission:

Ambry Genetics
Classification: Uncertain significance. Last evaluated: 2021-06-28. Review status: criteria provided, single submitter. Criteria: Ambry Variant Classification Scheme 2023. Collection method: clinical testing. Allele origin: germline.
Comment: The p.E67K variant (also known as c.199G>A), located in coding exon 1 of the MLH3 gene, results from a G to A substitution at nucleotide position 199. The glutamic acid at codon 67 is replaced by lysine, an amino acid with similar properties. This amino acid position is conserved. In addition, this alteration is predicted to be tolerated by in silico analysis. Since supporting evidence is limited at this time, the clinical significance of this alteration remains unclear.